The following is an entry in ClinVar:

ClinVar aggregate classification (germline): Uncertain significance (1 of 4 stars; one submission).

Conditions:
Primary ciliary dyskinesia. Also called: Ciliary dyskinesia. Identifiers: Orphanet 244, MedGen C0008780, MONDO:0016575, HP:0012265.

Submission:

Labcorp Genetics (formerly Invitae), Labcorp
Classification: Uncertain significance for Primary ciliary dyskinesia. Last evaluated: 2025-03-05. Review status: criteria provided, single submitter. Criteria: Invitae Variant Classification Sherloc (09022015). Collection method: clinical testing. Allele origin: germline.
Comment: This sequence change replaces alanine, which is neutral and non-polar, with aspartic acid, which is acidic and polar, at codon 555 of the DRC1 protein (p.Ala555Asp). This variant is not present in population databases (gnomAD no frequency). This variant has not been reported in the literature in individuals affected with DRC1-related conditions. An algorithm developed to predict the effect of missense changes on protein structure and function (PolyPhen-2) suggests that this variant is likely to be tolerated. In summary, the available evidence is currently insufficient to determine the role of this variant in disease. Therefore, it has been classified as a Variant of Uncertain Significance.

NM_145038.5(DRC1):c.1664C>A (p.Ala555Asp)

Gene: DRC1 (dynein regulatory complex subunit 1; plus strand). Cytogenetic location: 2p23.3.
Variant type: single nucleotide variant.
Coding change: c.1664C>A on transcript NM_145038.5 (MANE Select); coding-DNA position 1664, C replaced by A.
Protein change: p.Ala555Asp; replaces alanine 555 with aspartic acid.
Molecular consequence: missense variant.
Genome position (GRCh38, 1-based): chr2:26,450,656, C>A. VCF-style: chr2-26450656-C-A. GRCh37 (hg19) VCF-style: chr2-26673524-C-A.
Other names: short protein forms A555D.
Identifiers: ClinVar variation 4707744 (VCV004707744.1).